The following is an entry in ClinVar:

ClinVar aggregate classification (germline): Uncertain significance. Review status: criteria provided, multiple submitters, no conflicts (2 of 4 stars). 2 submissions from 2 submitters: Uncertain significance (2). Last evaluated 2025-08-04.

Submissions (2):

Labcorp Genetics (formerly Invitae), Labcorp
Classification: Uncertain significance. Last evaluated: 2025-08-04. Review status: criteria provided, single submitter. Criteria: Invitae Variant Classification Sherloc (09022015). Collection method: clinical testing. Allele origin: germline.
Comment: This sequence change replaces asparagine, which is neutral and polar, with serine, which is neutral and polar, at codon 500 of the WFS1 protein (p.Asn500Ser). This variant is present in population databases (no rsID available, gnomAD 0.001%). This variant has not been reported in the literature in individuals affected with WFS1-related conditions. ClinVar contains an entry for this variant (Variation ID: 1973615). An algorithm developed to predict the effect of missense changes on protein structure and function (PolyPhen-2) suggests that this variant is likely to be disruptive. In summary, the available evidence is currently insufficient to determine the role of this variant in disease. Therefore, it has been classified as a Variant of Uncertain Significance.

Women's Health and Genetics/Laboratory Corporation of America, LabCorp
Classification: Uncertain significance. Last evaluated: 2024-09-25. Review status: criteria provided, single submitter. Criteria: LabCorp Variant Classification Summary - May 2015. Collection method: clinical testing. Allele origin: germline.
Comment: Variant summary: WFS1 c.1499_1500delinsGT (p.Asn500Ser) results in a conservative amino acid change in the encoded protein sequence. Three of three in-silico tools predict a benign effect of the variant on protein function. The variant was absent in 281052 control chromosomes. The available data on variant occurrences in the general population are insufficient to allow any conclusion about variant significance. To our knowledge, no occurrence of c.1499_1500delinsGT in individuals affected with Wolfram Syndrome 1 and no experimental evidence demonstrating its impact on protein function have been reported. ClinVar contains an entry for this variant (Variation ID: 1973615). Based on the evidence outlined above, the variant was classified as uncertain significance.

NM_006005.3(WFS1):c.1499_1500inv (p.Asn500Ser)

Gene: WFS1 (wolframin ER transmembrane glycoprotein; plus strand). Cytogenetic location: 4p16.1.
Variant type: Inversion.
Coding change: c.1499_1500inv on transcript NM_006005.3 (MANE Select).
Protein change: p.Asn500Ser; replaces asparagine 500 with serine.
Molecular consequence: missense variant.
Genome position: GRCh38 VCF-style: chr4-6301294-AC-GT. GRCh37 (hg19) VCF-style: chr4-6303021-AC-GT.
Other names: c.1499_1500delinsGT (NM_006005.3); c.1499_1500inv, p.Asn500Ser (NM_001145853.1); short protein forms N500S.
Identifiers: ClinVar variation 1973615 (VCV001973615.6), ClinGen allele CA2580071772.